The following is an entry in ClinVar:

ClinVar aggregate classification (germline): Benign. Review status: reviewed by expert panel (3 of 4 stars). 2 submissions from 2 submitters: Benign (1). 1 of the submissions does not count toward it. Last evaluated 2015-01-12.

Conditions:
Breast-ovarian cancer, familial, susceptibility to, 1 (BROVCA1). Also called: BRCA1 Hereditary Breast and Ovarian Cancer; OVARIAN CANCER, SUSCEPTIBILITY TO. Identifiers: Orphanet 145, MedGen C2676676, MONDO:0011450, OMIM 604370. Disease mechanism: loss of function.

Allele frequency attached by ClinVar (database versions not stated): TOPMed 0.30375; gnomAD 0.31011 and 0.31803; 1000 Genomes Project 30x 0.34884; 1000 Genomes Project 0.35423.
gnomAD v4.1: 48,319 of 151,904 alleles (32%); highest among the groups gnomAD compares: South Asian, 51%; 8,021 homozygotes.

Submissions (2):

Evidence-based Network for the Interpretation of Germline Mutant Alleles (ENIGMA)
Classification: Benign for Breast-ovarian cancer, familial 1. Last evaluated: 2015-01-12. Review status: reviewed by expert panel. Criteria: ENIGMA BRCA1/2 Classification Criteria (2015). Collection method: curation. Allele origin: germline.
Comment: Class 1 not pathogenic based on frequency >1% in an outbred sampleset. Frequency 0.3304 (Asian), 0.2154 (African), 0.3562 (European), derived from 1000 genomes (2012-04-30).

Breakthrough Genomics
Classification: Benign. Review status: criteria provided, single submitter. Criteria: ACMG Guidelines, 2015. Collection method: not provided. Allele origin: germline. Inheritance: Autosomal recessive inheritance. Affected: yes. Not counted in ClinVar's aggregate classification.

NM_007294.4(BRCA1):c.134+693C>T

Gene: BRCA1 (BRCA1 DNA repair associated; minus strand). Cytogenetic location: 17q21.31.
Variant type: single nucleotide variant.
Coding change: c.134+693C>T on transcript NM_007294.4 (MANE Select); 693 bases into the intron after coding-DNA position 134, C replaced by T.
Molecular consequence: intron variant.
Genome position (GRCh38, 1-based): chr17:43,115,033, G>A on the plus strand (C>T on the coding strand, the complement: BRCA1 is on the minus strand). VCF-style: chr17-43115033-G-A. GRCh37 (hg19) VCF-style: chr17-41267050-G-A.
Other names: IVS 3+693C>T; c.-8+693C>T (NM_001408458.1, NM_001408470.1, NM_001407848.1 and 47 more transcripts); c.-219+10244C>T (NM_001407967.1); c.-169-10077C>T (NM_001407959.1, NM_001407963.1); c.-7-8500C>T (NM_001407931.1, NM_001407747.1, NM_001408461.1 and 28 more transcripts); c.-170+693C>T (NM_001407962.1, NM_001408512.1, NM_001408510.1 and 1 more transcripts); c.-55+693C>T (NM_001407885.1, NM_001407886.1, NM_001408509.1 and 52 more transcripts); c.-124+693C>T (NM_001407746.1, NM_001408468.1, NM_001407842.1 and 13 more transcripts); and 9 more.
Identifiers: ClinVar variation 209531 (VCV000209531.3), dbSNP rs8176103, ClinGen allele CA276500.